The following is an entry in ClinVar:

NM_001165963.4(SCN1A):c.5255T>G (p.Val1752Gly)

Genes: SCN1A (sodium voltage-gated channel alpha subunit 1; minus strand), LOC102724058 (uncharacterized LOC102724058; plus strand). Cytogenetic location: 2q24.3.
Variant type: single nucleotide variant.
Coding change: c.5255T>G on transcript NM_001165963.4 (MANE Select); coding-DNA position 5255, T replaced by G.
Protein change: p.Val1752Gly; replaces valine 1752 with glycine.
Molecular consequence: missense variant. On other transcripts: non-coding transcript variant (1).
Genome position (GRCh38, 1-based): chr2:165,992,020, A>C on the plus strand (T>G on the coding strand, the complement: SCN1A is on the minus strand). VCF-style: chr2-165992020-A-C. GRCh37 (hg19) VCF-style: chr2-166848530-A-C.
Other names: c.5255T>G (NM_001165963.1); c.5171T>G, p.Val1724Gly (NM_001165964.3, NM_001353957.2, NM_001353958.2); c.5255T>G, p.Val1752Gly (NM_001202435.3, NM_001353948.2); c.5222T>G, p.Val1741Gly (NM_001353949.2, NM_001353950.2, NM_001353951.2 and 2 more transcripts); c.5219T>G, p.Val1740Gly (NM_001353954.2, NM_001353955.2); c.5168T>G, p.Val1723Gly (NM_001353960.2); c.2813T>G, p.Val938Gly (NM_001353961.2); short protein forms V1723G, V1724G, V1740G, V1741G, V1752G, V938G.
Identifiers: ClinVar variation 1713549 (VCV001713549.6), dbSNP rs2468334943, ClinGen allele CA349068348.
Genomic context (GRCh38, chr2:165,992,020, plus strand): 5'-ATGATGATGTAACTGACAAAAAAGAAAATTCCAACAGATGGGTTCCCACAGTCTCCCTTA[A>C]CTGAGCTTCCAGGGTTAACTTTATTAGGGTCACAGTCGGGTGGCTTACTGTTGAGAATGG-3'
Protein context (NP_001159435.1, residues 1742-1762): DPNKVNPGSS[Val1752Gly]KGDCGNPSVG

ClinVar aggregate classification (germline): Uncertain significance. Review status: criteria provided, multiple submitters, no conflicts (2 of 4 stars). 2 submissions from 2 submitters: Uncertain significance (2). Last evaluated 2023-06-22.

Conditions:
Early-infantile DEE. Also called: Early infantile epileptic encephalopathy with suppression bursts; Early infantile epileptic encephalopathy; Ohtahara syndrome. Identifiers: Orphanet 1934, MedGen C0393706, MONDO:0800491.

Submissions (2):

GeneDx
Classification: Uncertain significance. Last evaluated: 2023-06-22. Review status: criteria provided, single submitter. Criteria: GeneDx Variant Classification Process June 2021. Collection method: clinical testing. Allele origin: germline. Affected: yes.
Comment: Not observed at significant frequency in large population cohorts (gnomAD); Missense variants in this gene are often considered pathogenic (HGMD); In silico analysis supports that this missense variant has a deleterious effect on protein structure/function; Has not been previously published as pathogenic or benign to our knowledge

Labcorp Genetics (formerly Invitae), Labcorp
Classification: Uncertain significance for Early-infantile DEE. Last evaluated: 2022-08-22. Review status: criteria provided, single submitter. Criteria: Invitae Variant Classification Sherloc (09022015). Collection method: clinical testing. Allele origin: germline.
Comment: This variant has not been reported in the literature in individuals affected with SCN1A-related conditions. This variant is not present in population databases (gnomAD no frequency). This sequence change replaces valine, which is neutral and non-polar, with glycine, which is neutral and non-polar, at codon 1752 of the SCN1A protein (p.Val1752Gly). Algorithms developed to predict the effect of missense changes on protein structure and function (SIFT, PolyPhen-2, Align-GVGD) all suggest that this variant is likely to be disruptive. In summary, the available evidence is currently insufficient to determine the role of this variant in disease. Therefore, it has been classified as a Variant of Uncertain Significance.